The following is an entry in ClinVar:

NM_001845.6(COL4A1):c.1120+3G>A

Gene: COL4A1 (collagen type IV alpha 1 chain; minus strand). Cytogenetic location: 13q34.
Variant type: single nucleotide variant.
Coding change: c.1120+3G>A on transcript NM_001845.6 (MANE Select); 3 bases into the intron after coding-DNA position 1120, G replaced by A.
Molecular consequence: intron variant.
Genome position (GRCh38, 1-based): chr13:110,200,851, C>T on the plus strand (G>A on the coding strand, the complement: COL4A1 is on the minus strand). VCF-style: chr13-110200851-C-T. GRCh37 (hg19) VCF-style: chr13-110853198-C-T.
Other names: c.1120+3G>A (NM_001303110.2).
Identifiers: ClinVar variation 3063709 (VCV003063709.1), dbSNP rs2501564946, ClinGen allele CA2575454355.

ClinVar aggregate classification (germline): Uncertain significance (1 of 4 stars; one submission).

Submission:

Women's Health and Genetics/Laboratory Corporation of America, LabCorp
Classification: Uncertain significance. Last evaluated: 2024-01-30. Review status: criteria provided, single submitter. Criteria: LabCorp Variant Classification Summary - May 2015. Collection method: clinical testing. Allele origin: germline.
Comment: Variant summary: COL4A1 c.1120+3G>A alters a non-conserved nucleotide located close to a canonical splice site and therefore could affect mRNA splicing, leading to a significantly altered protein sequence. Consensus agreement among computation tools predict no significant impact on normal splicing. However, these predictions have yet to be confirmed by functional studies. The variant was absent in 251466 control chromosomes. The available data on variant occurrences in the general population are insufficient to allow any conclusion about variant significance. To our knowledge, no occurrence of c.1120+3G>A in individuals affected with Porencephaly 1 and no experimental evidence demonstrating its impact on protein function have been reported. No submitters have cited clinical-significance assessments for this variant to ClinVar. Based on the evidence outlined above, the variant was classified as uncertain significance.